The following is an entry in ClinVar:

NM_001122769.3(LCA5):c.1774G>A (p.Val592Ile)

Gene: LCA5 (lebercilin LCA5; minus strand). Cytogenetic location: 6q14.1.
Variant type: single nucleotide variant.
Coding change: c.1774G>A on transcript NM_001122769.3 (MANE Select); coding-DNA position 1774, G replaced by A.
Protein change: p.Val592Ile; replaces valine 592 with isoleucine.
Molecular consequence: missense variant.
Genome position (GRCh38, 1-based): chr6:79,487,324, C>T on the plus strand (G>A on the coding strand, the complement: LCA5 is on the minus strand). VCF-style: chr6-79487324-C-T. GRCh37 (hg19) VCF-style: chr6-80197041-C-T.
Other names: c.1774G>A, p.Val592Ile (NM_181714.4); short protein forms V592I.
Identifiers: ClinVar variation 2058285 (VCV002058285.1), dbSNP rs777518555, ClinGen allele CA3900775.
Genomic context (GRCh38, chr6:79,487,324, plus strand): 5'-TGGCACCAAATAACTGTTCCATCAAATTAGCTTTTTTCTCTTTTCTTGTAATTAAATCTA[C>T]ACCATCTTTACTAAGTTTTTCCATACTGTTTCTTTGGAAATCCAAAAAACTACTTTTTTG-3'
Protein context (NP_001116241.1, residues 582-602): NSMEKLSKDG[Val592Ile]DLITRKEKKA

ClinVar aggregate classification (germline): Uncertain significance (1 of 4 stars; one submission).

Allele frequency attached by ClinVar (database versions not stated): gnomAD exomes 0.00001; ExAC 0.00001; gnomAD 0.00001.
gnomAD v4.1: 16 of 1,613,874 alleles (0.00099%); highest among the groups gnomAD compares: Non-Finnish European, 0.0012%; no homozygotes.

Submission:

Labcorp Genetics (formerly Invitae), Labcorp
Classification: Uncertain significance. Last evaluated: 2022-04-15. Review status: criteria provided, single submitter. Criteria: Invitae Variant Classification Sherloc (09022015). Collection method: clinical testing. Allele origin: germline.
Comment: This sequence change replaces valine, which is neutral and non-polar, with isoleucine, which is neutral and non-polar, at codon 592 of the LCA5 protein (p.Val592Ile). This variant is present in population databases (rs777518555, gnomAD 0.002%). This variant has not been reported in the literature in individuals affected with LCA5-related conditions. Algorithms developed to predict the effect of missense changes on protein structure and function output the following: SIFT: "Tolerated"; PolyPhen-2: "Benign"; Align-GVGD: "Class C0". The isoleucine amino acid residue is found in multiple mammalian species, which suggests that this missense change does not adversely affect protein function. In summary, the available evidence is currently insufficient to determine the role of this variant in disease. Therefore, it has been classified as a Variant of Uncertain Significance.